The following is an entry in ClinVar:

ClinVar aggregate classification (germline): Likely benign (1 of 4 stars; one submission).

Submission:

CeGaT Center for Human Genetics Tuebingen
Classification: Likely benign. Last evaluated: 2025-11-01. Review status: criteria provided, single submitter. Criteria: CeGaT Center For Human Genetics Tuebingen Variant Classification Criteria Version 2. Collection method: clinical testing. Allele origin: germline. Affected: yes. Observed: 1 variant allele.
Comment: ZNF462: BP4, BP7

NM_021224.6(ZNF462):c.3867C>T (p.Pro1289=)

Gene: ZNF462 (zinc finger protein 462; plus strand). Cytogenetic location: 9q31.2.
Variant type: single nucleotide variant.
Coding change: c.3867C>T on transcript NM_021224.6 (MANE Select); coding-DNA position 3867, C replaced by T.
Protein change: p.Pro1289=; no amino-acid change (proline 1289 retained).
Molecular consequence: synonymous variant. On other transcripts: intron variant (1).
Genome position (GRCh38, 1-based): chr9:106,927,779, C>T. VCF-style: chr9-106927779-C-T. GRCh37 (hg19) VCF-style: chr9-109690060-C-T.
Other names: c.3252+615C>T (NM_001347997.2).
Identifiers: ClinVar variation 4681365 (VCV004681365.5).